The following is an entry in ClinVar:

NC_000009.12:g.35658038_35658039insCTCAGCTCAGCTTCACAGAG

Gene: RMRP (RNA component of mitochondrial RNA processing endoribonuclease; minus strand). Cytogenetic location: 9p13.3.
Variant type: Insertion.
Genome position: GRCh38 VCF-style: chr9-35658023-C-CCTCAGCTTCACAGAGCTCAG. GRCh37 (hg19) VCF-style: chr9-35658020-C-CCTCAGCTTCACAGAGCTCAG.
Identifiers: ClinVar variation 2128360 (VCV002128360.4), dbSNP rs2490603549, ClinGen allele CA2580080471.

ClinVar aggregate classification (germline): Pathogenic (1 of 4 stars; one submission).

Conditions:
Anauxetic dysplasia. Identifiers: Orphanet 93347, MedGen C1846796, MONDO:0011773.

Submission:

Labcorp Genetics (formerly Invitae), Labcorp
Classification: Pathogenic for Anauxetic dysplasia. Last evaluated: 2022-04-20. Review status: criteria provided, single submitter. Criteria: Invitae Variant Classification Sherloc (09022015). Collection method: clinical testing. Allele origin: germline.
Comment: This variant occurs in the RMRP gene, which encodes an RNA molecule that does not result in a protein product. For these reasons, this variant has been classified as Pathogenic. While functional studies for this variant have not been reported, experimental analyses using patient derived cells, as well as in vitro transfection studies, have shown that promoter insertions result in silencing of RMRP transcription and reduced expression of the gene product (PMID: 11207361, 16254002). While this particular variant has not been reported in the literature, it is located in the promoter region between the TATA box and the transcription initiation site, and other insertions and duplications immediately upstream of the coding sequence have been reported in individuals affected with cartilage-hair hypoplasia-anauxetic dysplasia (CHH-AD) spectrum disorders (PMID: 16244706, 11207361, 12107819). This variant is not present in population databases (gnomAD no frequency).

Literature cited by the submitters: PubMed 11207361; PubMed 16254002; PubMed 16244706; PubMed 12107819.